The following is an entry in ClinVar:

NM_000465.4(BARD1):c.928T>G (p.Ser310Ala)

Gene: BARD1 (BRCA1 associated RING domain 1; minus strand). Cytogenetic location: 2q35.
Variant type: single nucleotide variant.
Coding change: c.928T>G on transcript NM_000465.4 (MANE Select); coding-DNA position 928, T replaced by G.
Protein change: p.Ser310Ala; replaces serine 310 with alanine.
Molecular consequence: missense variant. On other transcripts: non-coding transcript variant (2), intron variant (3).
Genome position (GRCh38, 1-based): chr2:214,780,946, A>C on the plus strand (T>G on the coding strand, the complement: BARD1 is on the minus strand). VCF-style: chr2-214780946-A-C. GRCh37 (hg19) VCF-style: chr2-215645670-A-C.
Other names: c.871T>G, p.Ser291Ala (NM_001282543.2); c.159-28391T>G (NM_001282548.2); c.215+16115T>G (NM_001282545.2); c.364+11351T>G (NM_001282549.2); short protein forms S310A, S291A.
Identifiers: ClinVar variation 279698 (VCV000279698.27), dbSNP rs886041139, ClinGen allele CA10602837.

ClinVar aggregate classification (germline): Conflicting classifications of pathogenicity. Review status: criteria provided, conflicting classifications (1 of 4 stars). 8 submissions from 8 submitters: Uncertain significance (7); Likely benign (1). Last evaluated 2026-01-28.

Conditions:
Hereditary cancer-predisposing syndrome. Also called: Tumor predisposition; Hereditary Cancer Syndrome; Hereditary neoplastic syndrome; Neoplastic Syndromes, Hereditary. Identifiers: Orphanet 140162, MedGen C0027672, MeSH D009386, MONDO:0015356.
Familial cancer of breast. Also called: BREAST CANCER, FAMILIAL; hereditary breast carcinoma; Hereditary breast cancer. Identifiers: Orphanet 227535, MedGen C0346153, MONDO:0016419, OMIM 114480. Disease mechanism: loss of function.

Allele frequency attached by ClinVar (database versions not stated): gnomAD 0.00001; gnomAD exomes 0.00001; TOPMed 0.00001.
gnomAD v4.1: 10 of 1,613,658 alleles (0.00062%); highest among the groups gnomAD compares: Non-Finnish European, 0.00085%; no homozygotes.

Submissions (8):

Labcorp Genetics (formerly Invitae), Labcorp
Classification: Uncertain significance for Familial cancer of breast. Last evaluated: 2026-01-28. Review status: criteria provided, single submitter. Criteria: Invitae Variant Classification Sherloc (09022015). Collection method: clinical testing. Allele origin: germline.
Comment: This sequence change replaces serine, which is neutral and polar, with alanine, which is neutral and non-polar, at codon 310 of the BARD1 protein (p.Ser310Ala). This variant is not present in population databases (gnomAD no frequency). This missense change has been observed in individual(s) with breast cancer (PMID: 26976419). ClinVar contains an entry for this variant (Variation ID: 279698). An algorithm developed to predict the effect of missense changes on protein structure and function outputs the following: PolyPhen-2: "Benign". The alanine amino acid residue is found in multiple mammalian species, which suggests that this missense change does not adversely affect protein function. RNA analysis performed to evaluate the impact of this missense change on mRNA splicing indicates it does not significantly alter splicing (internal data). In summary, the available evidence is currently insufficient to determine the role of this variant in disease. Therefore, it has been classified as a Variant of Uncertain Significance.

GeneDx
Classification: Uncertain significance. Last evaluated: 2025-03-28. Review status: criteria provided, single submitter. Criteria: GeneDx Variant Classification Process June 2021. Collection method: clinical testing. Allele origin: germline. Affected: yes.
Comment: Not observed at significant frequency in large population cohorts (gnomAD); In silico analysis indicates that this missense variant does not alter protein structure/function; This variant is associated with the following publications: (PMID: 33471991, 26976419)

Ambry Genetics
Classification: Likely benign for Hereditary cancer-predisposing syndrome. Last evaluated: 2024-02-26. Review status: criteria provided, single submitter. Criteria: Ambry Variant Classification Scheme 2023. Collection method: clinical testing. Allele origin: germline.

Women's Health and Genetics/Laboratory Corporation of America, LabCorp
Classification: Uncertain significance. Last evaluated: 2024-01-05. Review status: criteria provided, single submitter. Criteria: LabCorp Variant Classification Summary - May 2015. Collection method: clinical testing. Allele origin: germline.
Comment: Variant summary: BARD1 c.928T>G (p.Ser310Ala) results in a conservative amino acid change in the encoded protein sequence. Five of five in-silico tools predict a benign effect of the variant on protein function. The variant was absent in 250604 control chromosomes (gnomAD). The available data on variant occurrences in the general population are insufficient to allow any conclusion about variant significance. c.928T>G has been reported in the literature as a VUS in an individual affected with triple negative breast cancer and a family history of lung, CNS and pancreatic cancers who underwent multigene panel testing (Tung_2016). This individual also had a co-occurrencing pathogenic variant (NBN c.127C>T, p.Arg43X), providing supporting evidence for a benign role, although family members were not genetically tested. This report does not provide unequivocal conclusions about association of the variant with Breast Cancer. To our knowledge, no experimental evidence demonstrating an impact on protein function has been reported. The following publication has been ascertained in the context of this evaluation (PMID: 26976419). ClinVar contains an entry for this variant (Variation ID: 279698). Based on the evidence outlined above, the variant was classified as uncertain significance.

Blueprint Genetics
Classification: Uncertain significance. Last evaluated: 2023-04-11. Review status: criteria provided, single submitter. Criteria: ACMG Guidelines, 2015. Collection method: clinical testing. Allele origin: germline.

Sema4
Classification: Uncertain significance for Hereditary cancer-predisposing syndrome. Last evaluated: 2021-11-15. Review status: criteria provided, single submitter. Criteria: Sema4 Curation Guidelines. Collection method: curation. Allele origin: germline.
Comment: The BARD1 c.928T>G (p.S310A) variant has been reported in a large breast cancer study in 2/60466 breast cancer cases and 1/53461 controls as well as one reported individual with breast cancer (PMID: 26976419, 33471991). It was not observed in the large and broad cohorts of the Genome Aggregation Database (PMID: 32461654). The variant has been reported in ClinVar (Variation ID 279698). In silico tools suggest the impact of the variant on protein function is benign though these predictions have not been confirmed by functional studies. The evidence is insufficient to meet ACMG/AMP criteria for classifying the variant as benign or pathogenic. Thus, the clinical significance of this variant is currently uncertain.

Color Diagnostics, LLC DBA Color Health
Classification: Uncertain significance for Hereditary cancer-predisposing syndrome. Last evaluated: 2021-05-05. Review status: criteria provided, single submitter. Criteria: ACMG Guidelines, 2015. Collection method: clinical testing. Allele origin: germline.
Comment: This missense variant replaces serine with alanine at codon 310 of the BARD1 protein. Computational prediction suggests that this variant may not impact protein structure and function (internally defined REVEL score threshold <= 0.5, PMID: 27666373). To our knowledge, functional studies have not been reported for this variant. This variant has been reported in an individual affected with breast cancer (PMID: 26976419). This variant has not been identified in the general population by the Genome Aggregation Database (gnomAD). The available evidence is insufficient to determine the role of this variant in disease conclusively. Therefore, this variant is classified as a Variant of Uncertain Significance.

Illumina Laboratory Services, Illumina
Classification: Uncertain significance for Familial cancer of breast. Last evaluated: 2018-01-12. Review status: criteria provided, single submitter. Criteria: ICSL Variant Classification Criteria 13 December 2019. Collection method: clinical testing. Allele origin: germline.

Literature cited by the submitters: PubMed 26976419 (cited by 4 submitters); PubMed 33471991 (cited by Sema4).